The following is an entry in ClinVar:

NM_003126.4(SPTA1):c.5665-24T>C

Gene: SPTA1 (spectrin alpha, erythrocytic 1; minus strand). Cytogenetic location: 1q23.1.
Variant type: single nucleotide variant.
Coding change: c.5665-24T>C on transcript NM_003126.4 (MANE Select); 24 bases into the intron before coding-DNA position 5665, T replaced by C.
Molecular consequence: intron variant.
Genome position (GRCh38, 1-based): chr1:158,627,031, A>G on the plus strand (T>C on the coding strand, the complement: SPTA1 is on the minus strand). VCF-style: chr1-158627031-A-G. GRCh37 (hg19) VCF-style: chr1-158596821-A-G.
Other names: p.?.
Identifiers: ClinVar variation 1163168 (VCV001163168.12), dbSNP rs41273521, ClinGen allele CA1182222.

ClinVar aggregate classification (germline): Conflicting classifications of pathogenicity. Review status: criteria provided, conflicting classifications (1 of 4 stars). 3 submissions from 3 submitters: Uncertain significance (1); Benign (1); Likely benign (1). Last evaluated 2026-09-01.

Allele frequency attached by ClinVar (database versions not stated): 1000 Genomes Project 30x 0.00359; 1000 Genomes Project 0.00379; gnomAD 0.01019; ESP Exome Variant Server 0.01245.
gnomAD v4.1: 23,753 of 1,613,118 alleles (1.5%); highest among the groups gnomAD compares: Non-Finnish European, 1.8%; 223 homozygotes.

Submissions (3):

CeGaT Center for Human Genetics Tuebingen
Classification: Benign. Last evaluated: 2026-09-01. Review status: criteria provided, single submitter. Criteria: CeGaT Center For Human Genetics Tuebingen Variant Classification Criteria Version 2. Collection method: clinical testing. Allele origin: germline. Affected: yes. Observed: 6 variant alleles.
Comment: SPTA1: BS1, BS2

Mayo Clinic Laboratories, Mayo Clinic
Classification: Likely benign. Last evaluated: 2025-04-24. Review status: criteria provided, single submitter. Criteria: ACMG Guidelines, 2015. Collection method: clinical testing. Allele origin: germline. Observed: 51 variant alleles.
Comment: BS1, BS2, BP4, BP7

Breakthrough Genomics
Classification: Uncertain significance. Review status: criteria provided, single submitter. Criteria: ACMG Guidelines, 2015. Collection method: not provided. Allele origin: germline. Inheritance: Autosomal recessive inheritance. Affected: yes.

Literature cited by the submitters: PubMed 35650129 (cited by Mayo Clinic Laboratories, Mayo Clinic).